The following is an entry in ClinVar:

ClinVar aggregate classification (germline): Uncertain significance (1 of 4 stars; one submission).

Conditions:
Methylcobalamin deficiency type cblG (HMAG). Also called: HOMOCYSTINURIA-MEGALOBLASTIC ANEMIA DUE TO DEFECT IN COBALAMIN METABOLISM, cblG COMPLEMENTATION TYPE; HOMOCYSTINURIA-MEGALOBLASTIC ANEMIA, cblG COMPLEMENTATION TYPE; HOMOCYSTINURIA-MEGALOBLASTIC ANEMIA, cblG TYPE; Functional methionine synthase deficiency type cblG. Identifiers: Orphanet 2170, Orphanet 622, MedGen C1855128, MONDO:0009609, OMIM 250940.

Allele frequency attached by ClinVar (database versions not stated): gnomAD exomes 0.00001 and 0.00006; gnomAD 0.00002; TOPMed 0.00005; ExAC 0.00006; ESP Exome Variant Server 0.00008.
gnomAD v4.1: 21 of 1,613,978 alleles (0.0013%); highest among the groups gnomAD compares: Admixed American, 0.028%; no homozygotes.

Submission:

Labcorp Genetics (formerly Invitae), Labcorp
Classification: Uncertain significance for Methylcobalamin deficiency type cblG. Last evaluated: 2022-08-23. Review status: criteria provided, single submitter. Criteria: Invitae Variant Classification Sherloc (09022015). Collection method: clinical testing. Allele origin: germline.
Comment: This sequence change replaces isoleucine, which is neutral and non-polar, with threonine, which is neutral and polar, at codon 274 of the MTR protein (p.Ile274Thr). This variant is present in population databases (rs368380397, gnomAD 0.04%). This variant has not been reported in the literature in individuals affected with MTR-related conditions. ClinVar contains an entry for this variant (Variation ID: 1430332). Algorithms developed to predict the effect of missense changes on protein structure and function are either unavailable or do not agree on the potential impact of this missense change (SIFT: "Deleterious"; PolyPhen-2: "Possibly Damaging"; Align-GVGD: "Class C0"). In summary, the available evidence is currently insufficient to determine the role of this variant in disease. Therefore, it has been classified as a Variant of Uncertain Significance.

NM_000254.3(MTR):c.821T>C (p.Ile274Thr)

Gene: MTR (5-methyltetrahydrofolate-homocysteine methyltransferase; plus strand). Cytogenetic location: 1q43.
Variant type: single nucleotide variant.
Coding change: c.821T>C on transcript NM_000254.3 (MANE Select); coding-DNA position 821, T replaced by C.
Protein change: p.Ile274Thr; replaces isoleucine 274 with threonine.
Molecular consequence: missense variant. On other transcripts: 5 prime UTR variant (1).
Genome position (GRCh38, 1-based): chr1:236,824,175, T>C. VCF-style: chr1-236824175-T-C. GRCh37 (hg19) VCF-style: chr1-236987475-T-C.
Other names: c.821T>C, p.Ile274Thr (NM_001291939.1); c.-288T>C (NM_001291940.2); short protein forms I274T.
Identifiers: ClinVar variation 1430332 (VCV001430332.3), dbSNP rs368380397, ClinGen allele CA1473884.